The following is an entry in ClinVar:

ClinVar aggregate classification (germline): Likely benign. Review status: criteria provided, multiple submitters, no conflicts (2 of 4 stars). 2 submissions from 2 submitters: Likely benign (2). Last evaluated 2026-05-28.

Conditions:
MYH7B-related disorder. Also called: MYH7B-related condition.

Allele frequency attached by ClinVar (database versions not stated): ExAC 0.00011; gnomAD 0.00013 and 0.00015; gnomAD exomes 0.00013; ESP Exome Variant Server 0.00015; TOPMed 0.00019.
gnomAD v4.1: 404 of 1,607,586 alleles (0.025%); highest among the groups gnomAD compares: Non-Finnish European, 0.032%; no homozygotes.

Submissions (2):

PreventionGenetics, part of Exact Sciences
Classification: Likely benign for MYH7B-related condition. Last evaluated: 2026-05-28. Review status: criteria provided, single submitter. Criteria: ACMG Guidelines, 2015. Collection method: clinical testing. Allele origin: germline.
Comment: This variant is classified as likely benign based on ACMG/AMP sequence variant interpretation guidelines (Richards et al. 2015 PMID: 25741868, with internal and published modifications).

Labcorp Genetics (formerly Invitae), Labcorp
Classification: Likely benign. Last evaluated: 2025-12-17. Review status: criteria provided, single submitter. Criteria: Invitae Variant Classification Sherloc (09022015). Collection method: clinical testing. Allele origin: germline.

NM_020884.7(MYH7B):c.1587+9C>T

Gene: MYH7B (myosin heavy chain 7B; plus strand). Cytogenetic location: 20q11.22.
Variant type: single nucleotide variant.
Coding change: c.1587+9C>T on transcript NM_020884.7 (MANE Select); 9 bases into the intron after coding-DNA position 1587, C replaced by T.
Molecular consequence: intron variant.
Genome position (GRCh38, 1-based): chr20:34,988,271, C>T. VCF-style: chr20-34988271-C-T. GRCh37 (hg19) VCF-style: chr20-33576074-C-T.
Other names: c.1713+9C>T (NM_020884.4).
Identifiers: ClinVar variation 1572502 (VCV001572502.9), dbSNP rs368798014, ClinGen allele CA9826989.